The following is an entry in ClinVar:

NM_001267550.2(TTN):c.2656A>G (p.Thr886Ala)

Gene: TTN (titin; minus strand). Cytogenetic location: 2q31.2.
Variant type: single nucleotide variant.
Coding change: c.2656A>G on transcript NM_001267550.2 (MANE Select); coding-DNA position 2656, A replaced by G.
Protein change: p.Thr886Ala; replaces threonine 886 with alanine.
Molecular consequence: missense variant.
Genome position (GRCh38, 1-based): chr2:178,784,189, T>C on the plus strand (A>G on the coding strand, the complement: TTN is on the minus strand). VCF-style: chr2-178784189-T-C. GRCh37 (hg19) VCF-style: chr2-179648916-T-C.
Other names: c.2518A>G, p.Thr840Ala (NM_003319.4, NM_133432.3, NM_133437.4); c.2656A>G, p.Thr886Ala (NM_133378.4, NM_133379.5, NM_001256850.1); short protein forms T840A, T886A.
Identifiers: ClinVar variation 668405 (VCV000668405.1), dbSNP rs1574792629, ClinGen allele CA349495804.
Genomic context (GRCh38, chr2:178,784,189, plus strand): 5'-TGCTCACCCCTACTTCCTTTTTCACCTCAACGCCAGCTTCACTCTTGTAAGTATCTGGTG[T>C]GTCAGCGAAGGGGAACTGTGGCAAGGGTGTGGGCTCTGCCCTTACTCTAGTCTCACTGGG-3'
Protein context (NP_001254479.2, residues 876-896): TPLPQFPFAD[Thr886Ala]PDTYKSEAGV

ClinVar aggregate classification (germline): Likely benign (1 of 4 stars; one submission).

Submission:

GeneDx
Classification: Likely benign. Last evaluated: 2018-05-18. Review status: criteria provided, single submitter. Criteria: GeneDx Variant Classification (06012015). Collection method: clinical testing. Allele origin: germline. Affected: yes.
Comment: This variant is considered likely benign or benign based on one or more of the following criteria: it is a conservative change, it occurs at a poorly conserved position in the protein, it is predicted to be benign by multiple in silico algorithms, and/or has population frequency not consistent with disease.